The following is an entry in ClinVar:

NM_000093.5(COL5A1):c.*2090C>T

Genes: COL5A1 (collagen type V alpha 1 chain; plus strand), LOC101448202 (uncharacterized LOC101448202; minus strand). Cytogenetic location: 9q34.3.
Variant type: single nucleotide variant.
Coding change: c.*2090C>T on transcript NM_000093.5 (MANE Select); 2090 bases downstream of the stop codon, C replaced by T.
Molecular consequence: 3 prime UTR variant.
Genome position (GRCh38, 1-based): chr9:134,844,393, C>T. VCF-style: chr9-134844393-C-T. GRCh37 (hg19) VCF-style: chr9-137736239-C-T.
Other names: c.*2090C>T (NM_001278074.1).
Identifiers: ClinVar variation 365787 (VCV000365787.7), dbSNP rs578207933, ClinGen allele CA10633205.

ClinVar aggregate classification (germline): Benign (1 of 4 stars; one submission).

Conditions:
Ehlers-Danlos syndrome, classic type (cEDS). Identifiers: Orphanet 287, MedGen C4225429, MONDO:0007522.

Allele frequency attached by ClinVar (database versions not stated): gnomAD 0.00006; TOPMed 0.00008; 1000 Genomes Project 0.00200; 1000 Genomes Project 30x 0.00203.

Submission:

Illumina Laboratory Services, Illumina
Classification: Benign for Ehlers-Danlos syndrome, classic type, 1. Last evaluated: 2018-01-13. Review status: criteria provided, single submitter. Criteria: ICSL Variant Classification Criteria 13 December 2019. Collection method: clinical testing. Allele origin: germline.
Comment: This variant was observed in the ICSL laboratory as part of a predisposition screen in an ostensibly healthy population. It had not been previously curated by ICSL or reported in the Human Gene Mutation Database (HGMD: prior to June 1st, 2018), and was therefore a candidate for classification through an automated scoring system. Utilizing variant allele frequency, disease prevalence and penetrance estimates, and inheritance mode, an automated score was calculated to assess if this variant is too frequent to cause the disease. Based on the score and internal cut-off values, a variant classified as benign is not then subjected to further curation. The score for this variant resulted in a classification of benign for this disease.